The following is an entry in ClinVar:

ClinVar aggregate classification (germline): Uncertain significance (1 of 4 stars; one submission).

Conditions:
Hereditary cancer-predisposing syndrome. Also called: Neoplastic Syndromes, Hereditary; Hereditary Cancer Syndrome; Hereditary neoplastic syndrome; Tumor predisposition. Identifiers: Orphanet 140162, MedGen C0027672, MeSH D009386, MONDO:0015356.

Submission:

Ambry Genetics
Classification: Uncertain significance for Hereditary cancer-predisposing syndrome. Last evaluated: 2023-06-06. Review status: criteria provided, single submitter. Criteria: Ambry Variant Classification Scheme 2023. Collection method: clinical testing. Allele origin: germline.
Comment: The c.-3A>C variant is located in the 5' untranslated region (5&rsquo; UTR) of the PTCH1 gene. This variant results from an A to C substitution 3 bases upstream from the first translated codon. This nucleotide position is highly conserved in available vertebrate species. Since supporting evidence is limited at this time, the clinical significance of this alteration remains unclear.

NM_000264.5(PTCH1):c.-3A>C

Genes: PTCH1 (patched 1; minus strand), LOC130002133 (ATAC-STARR-seq lymphoblastoid silent region 20071; plus strand). Cytogenetic location: 9q22.32.
Variant type: single nucleotide variant.
Coding change: c.-3A>C on transcript NM_000264.5 (MANE Select); 3 bases upstream of the start codon, A replaced by C.
Molecular consequence: 5 prime UTR variant. On other transcripts: non-coding transcript variant (1), intron variant (3).
Genome position (GRCh38, 1-based): chr9:95,508,364, T>G on the plus strand (A>C on the coding strand, the complement: PTCH1 is on the minus strand). VCF-style: chr9-95508364-T-G. GRCh37 (hg19) VCF-style: chr9-98270646-T-G.
Other names: c.-3A>C (NM_001354918.2); c.199-1765A>C (NM_001083603.3); c.4-1765A>C (NM_001083602.3, NM_001354919.2).
Identifiers: ClinVar variation 2564402 (VCV002564402.2), dbSNP rs1843917014, ClinGen allele CA2580616245.